The following is an entry in ClinVar:

NM_006282.5(STK4):c.733C>T (p.Arg245Ter)

Gene: STK4 (serine/threonine kinase 4; plus strand). Cytogenetic location: 20q13.12.
Variant type: single nucleotide variant.
Coding change: c.733C>T on transcript NM_006282.5 (MANE Select); coding-DNA position 733, C replaced by T.
Protein change: p.Arg245Ter; replaces arginine 245 with a stop codon.
Molecular consequence: nonsense.
Genome position (GRCh38, 1-based): chr20:44,997,208, C>T. VCF-style: chr20-44997208-C-T. GRCh37 (hg19) VCF-style: chr20-43625849-C-T.
Other names: c.733C>T, p.Arg245Ter (NM_001352385.2); short protein forms R245*.
Identifiers: ClinVar variation 835262 (VCV000835262.10), dbSNP rs748660310, ClinGen allele CA9873871.

ClinVar aggregate classification (germline): Pathogenic/Likely pathogenic. Review status: criteria provided, multiple submitters, no conflicts (2 of 4 stars). 4 submissions from 4 submitters: Pathogenic (3); Likely pathogenic (1). Last evaluated 2025-06-20.

Conditions:
Combined immunodeficiency due to STK4 deficiency (IMD110). Also called: STK4 DEFICIENCY; MST1 DEFICIENCY; T-cell immunodeficiency, recurrent infections, and autoimmunity with or without cardiac malformations. Identifiers: Orphanet 314689, MedGen C3553943, MONDO:0013934, OMIM 614868.

Allele frequency attached by ClinVar (database versions not stated): TOPMed below 0.00001; ExAC 0.00001; gnomAD 0.00001; gnomAD exomes 0.00001.
gnomAD v4.1: 10 of 1,613,850 alleles (0.00062%); highest among the groups gnomAD compares: South Asian, 0.0011%; no homozygotes.

Submissions (4):

First Genomix Gene Laboratory, Genetic Diagnostics Department
Classification: Pathogenic for Combined immunodeficiency due to STK4 deficiency. Last evaluated: 2025-06-20. Review status: criteria provided, single submitter. Criteria: ACMG Guidelines, 2015. Collection method: clinical testing. Allele origin: germline. Inheritance: Autosomal recessive inheritance. Affected: no. Observed: 1 variant allele.

Variantyx, Inc.
Classification: Likely pathogenic for Combined immunodeficiency due to STK4 deficiency. Last evaluated: 2025-05-19. Review status: criteria provided, single submitter. Criteria: Variantyx Assertion Criteria 2022. Collection method: clinical testing. Allele origin: germline. Inheritance: Autosomal recessive inheritance. Affected: no.
Comment: This is a nonsense variant in the STK4 gene (OMIM: 604965). Pathogenic variants in this gene have been associated with autosomal recessive T-cell immunodeficiency, recurrent infections, autoimmunity, and cardiac malformations. This variant introduces a premature termination codon in exon 7 out of 11 and is expected to result in loss of function, which is a known disease mechanism for STK4 in this disorder (PMID: 22174160, 34146746) (PVS1). This variant has a 0.0011% maximum allele frequency in non-founder control populations (PM2). Based on the current evidence, this variant is classified as likely pathogenic for autosomal recessive T-cell immunodeficiency, recurrent infections, autoimmunity, and cardiac malformations.

Labcorp Genetics (formerly Invitae), Labcorp
Classification: Pathogenic for Combined immunodeficiency due to STK4 deficiency. Last evaluated: 2023-09-06. Review status: criteria provided, single submitter. Criteria: Invitae Variant Classification Sherloc (09022015). Collection method: clinical testing. Allele origin: germline.
Comment: ClinVar contains an entry for this variant (Variation ID: 835262). For these reasons, this variant has been classified as Pathogenic. This variant has not been reported in the literature in individuals affected with STK4-related conditions. This sequence change creates a premature translational stop signal (p.Arg245*) in the STK4 gene. It is expected to result in an absent or disrupted protein product. Loss-of-function variants in STK4 are known to be pathogenic (PMID: 22174160). This variant is present in population databases (rs748660310, gnomAD 0.002%).

3billion
Classification: Pathogenic for Combined immunodeficiency due to STK4 deficiency. Last evaluated: 2023-02-23. Review status: criteria provided, single submitter. Criteria: ACMG Guidelines, 2015. Collection method: clinical testing. Allele origin: unknown. Affected: yes.
Comment: The variant is observed at an extremely low frequency in the gnomAD v2.1.1 dataset (total allele frequency: 0.001%). This variant was predicted to result in a loss or disruption of normal protein function through nonsense-mediated decay (NMD) or protein truncation. Multiple pathogenic variants are reported downstream of the variant. The variant has been reported to be associated with STK4 related disorder (ClinVar ID: VCV000835262). Therefore, this variant is classified as Pathogenic according to the recommendation of ACMG/AMP guideline.

Literature cited by the submitters: PubMed 22174160 (cited by Variantyx, Inc. and Labcorp Genetics (formerly Invitae), Labcorp); PubMed 34146746 (cited by Variantyx, Inc.).